The following is an entry in ClinVar:

ClinVar aggregate classification (germline): Uncertain significance (1 of 4 stars; one submission).

Submission:

CeGaT Center for Human Genetics Tuebingen
Classification: Uncertain significance. Last evaluated: 2026-01-01. Review status: criteria provided, single submitter. Criteria: CeGaT Center For Human Genetics Tuebingen Variant Classification Criteria Version 2. Collection method: clinical testing. Allele origin: germline. Affected: yes. Observed: 1 variant allele.
Comment: ZMYM3: PM2

NM_201599.3(ZMYM3):c.587G>C (p.Gly196Ala)

Gene: ZMYM3 (zinc finger MYM-type containing 3; minus strand). Cytogenetic location: Xq13.1.
Variant type: single nucleotide variant.
Coding change: c.587G>C on transcript NM_201599.3 (MANE Select); coding-DNA position 587, G replaced by C.
Protein change: p.Gly196Ala; replaces glycine 196 with alanine.
Molecular consequence: missense variant.
Genome position (GRCh38, 1-based): chrX:71,252,669, C>G on the plus strand (G>C on the coding strand, the complement: ZMYM3 is on the minus strand). VCF-style: chrX-71252669-C-G. GRCh37 (hg19) VCF-style: chrX-70472519-C-G.
Other names: c.587G>C, p.Gly196Ala (NM_001171162.1, NM_001171163.1, NM_005096.3); short protein forms G196A.
Identifiers: ClinVar variation 4822928 (VCV004822928.4).